The following is an entry in ClinVar:

ClinVar aggregate classification (germline): Likely benign. Review status: criteria provided, multiple submitters, no conflicts (2 of 4 stars). 3 submissions from 3 submitters: Likely benign (3). Last evaluated 2025-12-10.

Conditions:
Kilquist syndrome (KILQS). Also called: SLC12A2-related autosomal recessive neonatal-developmental delay-intellectual disability-feeding difficulty-sensorineural deafness syndrome. Identifiers: Orphanet 633021, MedGen C5436756, MONDO:0033664, OMIM 619080.
Hearing loss, autosomal dominant 78. Also called: DEAFNESS, AUTOSOMAL DOMINANT 78. Identifiers: MedGen C5436768, MONDO:0033665, OMIM 619081.
Delpire-McNeill syndrome. Also called: SLC12A2-related autosomal dominant infantile-developmental delay-intellectual disability-sensorineural deafness syndrome. Identifiers: Orphanet 633024, MedGen C5436771, MONDO:0033667, OMIM 619083.

Allele frequency attached by ClinVar (database versions not stated): ESP Exome Variant Server 0.00015; gnomAD exomes 0.00016 and 0.00021; gnomAD 0.00019; TOPMed 0.00020; ExAC 0.00037.
gnomAD v4.1: 307 of 1,487,736 alleles (0.021%); highest among the groups gnomAD compares: Admixed American, 0.034%; no homozygotes.

Submissions (3):

Labcorp Genetics (formerly Invitae), Labcorp
Classification: Likely benign. Last evaluated: 2025-12-10. Review status: criteria provided, single submitter. Criteria: Invitae Variant Classification Sherloc (09022015). Collection method: clinical testing. Allele origin: germline.

CeGaT Center for Human Genetics Tuebingen
Classification: Likely benign. Last evaluated: 2024-02-01. Review status: criteria provided, single submitter. Criteria: CeGaT Center For Human Genetics Tuebingen Variant Classification Criteria Version 2. Collection method: clinical testing. Allele origin: germline. Affected: yes. Observed: 5 variant alleles.
Comment: SLC12A2: BP4, BP7

Fulgent Genetics
Classification: Likely benign for Kilquist syndrome; Hearing loss, autosomal dominant 78; Delpire-McNeill syndrome. Last evaluated: 2021-08-30. Review status: criteria provided, single submitter. Criteria: ACMG Guidelines, 2015. Collection method: clinical testing. Allele origin: unknown.

NM_001046.3(SLC12A2):c.2511C>T (p.Ile837=)

Gene: SLC12A2 (solute carrier family 12 member 2; plus strand). Cytogenetic location: 5q23.3.
Variant type: single nucleotide variant.
Coding change: c.2511C>T on transcript NM_001046.3 (MANE Select); coding-DNA position 2511, C replaced by T.
Protein change: p.Ile837=; no amino-acid change (isoleucine 837 retained).
Molecular consequence: synonymous variant. On other transcripts: non-coding transcript variant (1).
Genome position (GRCh38, 1-based): chr5:128,161,695, C>T. VCF-style: chr5-128161695-C-T. GRCh37 (hg19) VCF-style: chr5-127497387-C-T.
Other names: c.2511C>T, p.Ile837= (NM_001256461.2).
Identifiers: ClinVar variation 1355224 (VCV001355224.32), dbSNP rs1053614, ClinGen allele CA3393384.
Genomic context (GRCh38, chr5:128,161,695, plus strand): 5'-ATATTATTAATATTTTTATTCAAAGGGTCCTCGAAGACAAGCCATGAAAGAGATGTCCAT[C>T]GATCAAGCCAAATATCAGCGATGGCTTATTAAGAACAAAATGAAGGCATTTTATGCTCCA-3'
Protein context (NP_001037.1, residues 827-847): PRRQAMKEMS[Ile837=]DQAKYQRWLI